The following is an entry in ClinVar:

ClinVar aggregate classification (germline): Uncertain significance (1 of 4 stars; one submission).

gnomAD v4.1: 19 of 1,613,918 alleles (0.0012%); highest among the groups gnomAD compares: Middle Eastern, 0.016%; no homozygotes.

Submission:

Labcorp Genetics (formerly Invitae), Labcorp
Classification: Uncertain significance. Last evaluated: 2025-12-08. Review status: criteria provided, single submitter. Criteria: Invitae Variant Classification Sherloc (09022015). Collection method: clinical testing. Allele origin: germline.
Comment: This sequence change replaces arginine, which is basic and polar, with glutamine, which is neutral and polar, at codon 72 of the FGB protein (p.Arg72Gln). This variant is present in population databases (rs144972538, gnomAD 0.007%). This variant has not been reported in the literature in individuals affected with FGB-related conditions. Invitae Evidence Modeling of protein sequence and biophysical properties (such as structural, functional, and spatial information, amino acid conservation, physicochemical variation, residue mobility, and thermodynamic stability) indicates that this missense variant is not expected to disrupt FGB protein function with a negative predictive value of 80%. In summary, the available evidence is currently insufficient to determine the role of this variant in disease. Therefore, it has been classified as a Variant of Uncertain Significance.

NM_005141.5(FGB):c.215G>A (p.Arg72Gln)

Gene: FGB (fibrinogen beta chain; plus strand). Cytogenetic location: 4q31.3.
Variant type: single nucleotide variant.
Coding change: c.215G>A on transcript NM_005141.5 (MANE Select); coding-DNA position 215, G replaced by A.
Protein change: p.Arg72Gln; replaces arginine 72 with glutamine.
Molecular consequence: missense variant. On other transcripts: intron variant (1).
Genome position (GRCh38, 1-based): chr4:154,565,908, G>A. VCF-style: chr4-154565908-G-A. GRCh37 (hg19) VCF-style: chr4-155487060-G-A.
Other names: c.215G>A, p.Arg72Gln (NM_001382759.1, NM_001382760.1, NM_001382761.1 and 4 more transcripts); c.165+50G>A (NM_001184741.1); short protein forms R72Q.
Identifiers: ClinVar variation 4711519 (VCV004711519.1).